The following is an entry in ClinVar:

NM_005751.5(AKAP9):c.2370G>T (p.Met790Ile)

Gene: AKAP9 (A-kinase anchoring protein 9; plus strand). Cytogenetic location: 7q21.2.
Variant type: single nucleotide variant.
Coding change: c.2370G>T on transcript NM_005751.5 (MANE Select); coding-DNA position 2370, G replaced by T.
Protein change: p.Met790Ile; replaces methionine 790 with isoleucine.
Molecular consequence: missense variant.
Genome position (GRCh38, 1-based): chr7:92,002,287, G>T. VCF-style: chr7-92002287-G-T. GRCh37 (hg19) VCF-style: chr7-91631601-G-T.
Other names: c.2370G>T, p.Met790Ile (NM_147185.3); short protein forms M790I.
Identifiers: ClinVar variation 2449788 (VCV002449788.2), dbSNP rs1298504605, ClinGen allele CA368123961.

ClinVar aggregate classification (germline): Uncertain significance (1 of 4 stars; one submission).

Conditions:
Cardiovascular phenotype. Identifiers: MedGen CN230736.

Submission:

Ambry Genetics
Classification: Uncertain significance for Cardiovascular phenotype. Last evaluated: 2023-03-03. Review status: criteria provided, single submitter. Criteria: Ambry Variant Classification Scheme 2023. Collection method: clinical testing. Allele origin: germline.
Comment: The p.M790I variant (also known as c.2370G>T), located in coding exon 8 of the AKAP9 gene, results from a G to T substitution at nucleotide position 2370. The methionine at codon 790 is replaced by isoleucine, an amino acid with highly similar properties. This amino acid position is not well conserved in available vertebrate species. In addition, this alteration is predicted to be tolerated by in silico analysis. The evidence for this gene-disease relationship is limited; therefore, the clinical significance of this alteration is unclear.